The following is an entry in ClinVar:

ClinVar aggregate classification (germline): Pathogenic. Review status: criteria provided, multiple submitters, no conflicts (2 of 4 stars). 5 submissions from 5 submitters: Pathogenic (2). 3 of the submissions do not count toward it. Last evaluated 2025-03-24.

Conditions:
Retinitis pigmentosa (RP). Identifiers: Orphanet 791, MedGen C0035334, MeSH D012174, MONDO:0019200, OMIM 268000. Inheritance: Autosomal dominant, autosomal recessive and X linked inheritance.
Retinitis pigmentosa 4 (RP4). Also called: RETINITIS PIGMENTOSA, RHODOPSIN-RELATED. Identifiers: Orphanet 791, MedGen C3151001, MONDO:0013395, OMIM 613731.

Submissions (5):

Institute of Medical Genetics and Applied Genomics, University Hospital Tübingen
Classification: Pathogenic for Retinitis pigmentosa 4. Last evaluated: 2025-03-24. Review status: criteria provided, single submitter. Criteria: ACMG Guidelines, 2015. Collection method: clinical testing. Allele origin: germline. Inheritance: Autosomal dominant inheritance. Affected: yes.

Labcorp Genetics (formerly Invitae), Labcorp
Classification: Pathogenic. Last evaluated: 2023-04-17. Review status: criteria provided, single submitter. Criteria: Invitae Variant Classification Sherloc (09022015). Collection method: clinical testing. Allele origin: germline.
Comment: This sequence change replaces proline, which is neutral and non-polar, with arginine, which is basic and polar, at codon 53 of the RHO protein (p.Pro53Arg). This variant is not present in population databases (gnomAD no frequency). This missense change has been observed in individual(s) with autosomal dominant retinitis pigmentosa (PMID: 1301135, 22968130, 26962691, 31319082). In at least one individual the variant was observed to be de novo. ClinVar contains an entry for this variant (Variation ID: 13037). Advanced modeling of protein sequence and biophysical properties (such as structural, functional, and spatial information, amino acid conservation, physicochemical variation, residue mobility, and thermodynamic stability) performed at Invitae indicates that this missense variant is expected to disrupt RHO protein function. Experimental studies have shown that this missense change affects RHO function (PMID: 22791210). For these reasons, this variant has been classified as Pathogenic.

Sharon lab, Hadassah-Hebrew University Medical Center
Classification: Likely pathogenic for Retinitis pigmentosa. Last evaluated: 2019-06-23. Review status: no assertion criteria provided. Collection method: research. Allele origin: inherited. Affected: yes. Not counted in ClinVar's aggregate classification.

NIHR Bioresource Rare Diseases, University of Cambridge
Classification: Likely pathogenic for Retinitis pigmentosa. Last evaluated: 2015-01-01. Review status: no assertion criteria provided. Collection method: research. Allele origin: unknown. Affected: yes. Observed: 1 variant allele. Not counted in ClinVar's aggregate classification.

OMIM
Classification: Pathogenic for RETINITIS PIGMENTOSA 4. Last evaluated: 1993-08-01. Review status: no assertion criteria provided. Collection method: literature only. Allele origin: germline. Not counted in ClinVar's aggregate classification.

Literature cited by the submitters: PubMed 1301135 (cited by Labcorp Genetics (formerly Invitae), Labcorp and NIHR Bioresource Rare Diseases, University of Cambridge); PubMed 22968130 (cited by Labcorp Genetics (formerly Invitae), Labcorp); PubMed 26962691 (cited by Labcorp Genetics (formerly Invitae), Labcorp); PubMed 31319082 (cited by Labcorp Genetics (formerly Invitae), Labcorp); PubMed 22791210 (cited by Labcorp Genetics (formerly Invitae), Labcorp); PubMed 28041643 (cited by NIHR Bioresource Rare Diseases, University of Cambridge); PubMed 8328469 (cited by OMIM).

NM_000539.3(RHO):c.158C>G (p.Pro53Arg)

Gene: RHO (rhodopsin; plus strand). Cytogenetic location: 3q22.1.
Variant type: single nucleotide variant.
Coding change: c.158C>G on transcript NM_000539.3 (MANE Select); coding-DNA position 158, C replaced by G.
Protein change: p.Pro53Arg; replaces proline 53 with arginine.
Molecular consequence: missense variant.
Genome position (GRCh38, 1-based): chr3:129,528,891, C>G. VCF-style: chr3-129528891-C-G. GRCh37 (hg19) VCF-style: chr3-129247734-C-G.
Other names: short protein forms P53R.
Identifiers: ClinVar variation 13037 (VCV000013037.7), dbSNP rs28933395, ClinGen allele CA256682.